The following is an entry in ClinVar:

ClinVar aggregate classification (germline): Benign/Likely benign. Review status: criteria provided, multiple submitters, no conflicts (2 of 4 stars). 8 submissions from 8 submitters: Benign (4); Likely benign (4). Last evaluated 2026-09-01.

Conditions:
Spastic paraplegia. Identifiers: MedGen C0037772, HP:0001258.
Hereditary spastic paraplegia. Also called: Familial spastic paraparesis. Identifiers: Orphanet 685, MedGen C0037773, MONDO:0019064. Disease mechanism: loss of function.
Hereditary spastic paraplegia 10 (SPG10). Also called: SPASTIC PARAPLEGIA 10 WITH PERIPHERAL NEUROPATHY; SPASTIC PARAPLEGIA 10 WITH OR WITHOUT PERIPHERAL NEUROPATHY; SPASTIC PARAPLEGIA 10, AUTOSOMAL DOMINANT. Identifiers: Orphanet 100991, MedGen C1858712, MONDO:0011408, OMIM 604187.

Allele frequency attached by ClinVar (database versions not stated): 1000 Genomes Project 0.00040; 1000 Genomes Project 30x 0.00047; gnomAD 0.00101; ExAC 0.00106; gnomAD exomes 0.00121 and 0.00162; TOPMed 0.00124; ESP Exome Variant Server 0.00154.
gnomAD v4.1: 2,585 of 1,611,082 alleles (0.16%); highest among the groups gnomAD compares: Admixed American, 0.25%; 2 homozygotes.

Submissions (8):

CeGaT Center for Human Genetics Tuebingen
Classification: Likely benign. Last evaluated: 2026-09-01. Review status: criteria provided, single submitter. Criteria: CeGaT Center For Human Genetics Tuebingen Variant Classification Criteria Version 2. Collection method: clinical testing. Allele origin: germline. Affected: yes. Observed: 20 variant alleles.
Comment: KIF5A: BP4, BS1

Labcorp Genetics (formerly Invitae), Labcorp
Classification: Benign for Spastic paraplegia. Last evaluated: 2026-02-03. Review status: criteria provided, single submitter. Criteria: Invitae Variant Classification Sherloc (09022015). Collection method: clinical testing. Allele origin: germline.

ARUP Laboratories, Molecular Genetics and Genomics, ARUP Laboratories
Classification: Benign. Last evaluated: 2025-07-15. Review status: criteria provided, single submitter. Criteria: ARUP Molecular Germline Variant Investigation Process 2024. Collection method: clinical testing. Allele origin: germline.

Blueprint Genetics
Classification: Likely benign. Last evaluated: 2024-11-19. Review status: criteria provided, single submitter. Criteria: ACMG Guidelines, 2015. Collection method: clinical testing. Allele origin: germline.

Mayo Clinic Laboratories, Mayo Clinic
Classification: Benign. Last evaluated: 2024-08-13. Review status: criteria provided, single submitter. Criteria: ACMG Guidelines, 2015. Collection method: clinical testing. Allele origin: germline. Observed: 7 variant alleles.
Comment: BS1, BS2, BP4, BP7

Genome Diagnostics Laboratory, The Hospital for Sick Children
Classification: Likely benign for Hereditary spastic paraplegia. Last evaluated: 2020-02-01. Review status: criteria provided, single submitter. Criteria: ACMG Guidelines, 2015. Collection method: clinical testing. Allele origin: germline. Affected: yes.

GeneDx
Classification: Likely benign. Last evaluated: 2018-04-02. Review status: criteria provided, single submitter. Criteria: GeneDx Variant Classification Process June 2021. Collection method: clinical testing. Allele origin: germline. Affected: yes.

Illumina Laboratory Services, Illumina
Classification: Benign for Hereditary spastic paraplegia 10. Last evaluated: 2018-01-13. Review status: criteria provided, single submitter. Criteria: ICSL Variant Classification Criteria 13 December 2019. Collection method: clinical testing. Allele origin: germline.
Comment: This variant was observed in the ICSL laboratory as part of a predisposition screen in an ostensibly healthy population. It had not been previously curated by ICSL or reported in the Human Gene Mutation Database (HGMD: prior to June 1st, 2018), and was therefore a candidate for classification through an automated scoring system. Utilizing variant allele frequency, disease prevalence and penetrance estimates, and inheritance mode, an automated score was calculated to assess if this variant is too frequent to cause the disease. Based on the score and internal cut-off values, a variant classified as benign is not then subjected to further curation. The score for this variant resulted in a classification of benign for this disease.

NM_004984.4(KIF5A):c.714+8G>A

Gene: KIF5A (kinesin family member 5A; plus strand). Cytogenetic location: 12q13.3.
Variant type: single nucleotide variant.
Coding change: c.714+8G>A on transcript NM_004984.4 (MANE Select); 8 bases into the intron after coding-DNA position 714, G replaced by A.
Molecular consequence: intron variant.
Genome position (GRCh38, 1-based): chr12:57,567,626, G>A. VCF-style: chr12-57567626-G-A. GRCh37 (hg19) VCF-style: chr12-57961409-G-A.
Other names: p.?; c.447+8G>A (NM_001354705.2).
Identifiers: ClinVar variation 219405 (VCV000219405.58), dbSNP rs199624091, ClinGen allele CA350206.